The following is an entry in ClinVar:

NM_020738.4(KIDINS220):c.900+3A>G

Gene: KIDINS220 (kinase D interacting substrate 220; minus strand). Cytogenetic location: 2p25.1.
Variant type: single nucleotide variant.
Coding change: c.900+3A>G on transcript NM_020738.4 (MANE Select); 3 bases into the intron after coding-DNA position 900, A replaced by G.
Molecular consequence: intron variant.
Genome position (GRCh38, 1-based): chr2:8,800,397, T>C on the plus strand (A>G on the coding strand, the complement: KIDINS220 is on the minus strand). VCF-style: chr2-8800397-T-C. GRCh37 (hg19) VCF-style: chr2-8940527-T-C.
Other names: c.900+3A>G (NM_001348741.2, NM_001348738.2, NM_001348742.2 and 3 more transcripts); c.903+3A>G (NM_001348739.2, NM_001348740.2, NM_001348734.2 and 3 more transcripts); c.774+3A>G (NM_001348736.2).
Identifiers: ClinVar variation 1943567 (VCV001943567.5), dbSNP rs2528135698, ClinGen allele CA2580068134.

ClinVar aggregate classification (germline): Uncertain significance (1 of 4 stars; one submission).

Allele frequency attached by ClinVar (database versions not stated): gnomAD exomes below 0.00001.
gnomAD v4.1: 1 of 1,595,946 alleles (0.000063%); highest among the groups gnomAD compares: Non-Finnish European, 0.000086%; no homozygotes.

Submission:

Labcorp Genetics (formerly Invitae), Labcorp
Classification: Uncertain significance. Last evaluated: 2022-02-01. Review status: criteria provided, single submitter. Criteria: Invitae Variant Classification Sherloc (09022015). Collection method: clinical testing. Allele origin: germline.
Comment: This sequence change falls in intron 9 of the KIDINS220 gene. It does not directly change the encoded amino acid sequence of the KIDINS220 protein. It affects a nucleotide within the consensus splice site. This variant is not present in population databases (gnomAD no frequency). This variant has not been reported in the literature in individuals affected with KIDINS220-related conditions. Variants that disrupt the consensus splice site are a relatively common cause of aberrant splicing (PMID: 17576681, 9536098). Algorithms developed to predict the effect of sequence changes on RNA splicing suggest that this variant may disrupt the consensus splice site. In summary, the available evidence is currently insufficient to determine the role of this variant in disease. Therefore, it has been classified as a Variant of Uncertain Significance.

Literature cited by the submitters: PubMed 17576681; PubMed 9536098.